The following is an entry in ClinVar:

ClinVar aggregate classification (germline): Benign/Likely benign. Review status: criteria provided, multiple submitters, no conflicts (2 of 4 stars). 20 submissions from 20 submitters: Benign (15); Likely benign (2). 3 of the submissions do not count toward it. Last evaluated 2026-09-21.

Conditions:
Cardiovascular phenotype. Identifiers: MedGen CN230736.
Cardiomyopathy (CMYO). Also called: Cardiomyopathies. Identifiers: Orphanet 167848, MedGen C0878544, MONDO:0004994, HP:0001638. Inheritance: Various modes of inheritance.
Hypertrophic cardiomyopathy 10. Also called: CARDIOMYOPATHY, HYPERTROPHIC, MID-LEFT VENTRICULAR CHAMBER TYPE, 2; MYL2-Related Familial Hypertrophic Cardiomyopathy. Identifiers: MedGen C1834460, MONDO:0012112, OMIM 608758.
Primary familial hypertrophic cardiomyopathy (HCM). Identifiers: Orphanet 99739, MedGen C0949658, MeSH D024741, MONDO:0024573. Inheritance: Various modes of inheritance.
Hypertrophic cardiomyopathy. Also called: HYPERTROPHIC MYOCARDIOPATHY. Identifiers: Orphanet 217569, MedGen C0007194, MeSH D002312, MONDO:0005045, HP:0001639.

Allele frequency attached by ClinVar (database versions not stated): 1000 Genomes Project 30x 0.00468; gnomAD exomes 0.00120; gnomAD 0.00558 and 0.00513; 1000 Genomes Project 0.00499; TOPMed 0.00552; ESP Exome Variant Server 0.00615; ExAC 0.00152.
gnomAD v4.1: 1,514 of 1,614,156 alleles (0.094%); highest among the groups gnomAD compares: African/African-American, 1.9%; 20 homozygotes.

Submissions (20):

Molecular Diagnostic Laboratory for Inherited Cardiovascular Disease, Montreal Heart Institute
Classification: Benign. Last evaluated: 2026-09-21. Review status: criteria provided, single submitter. Criteria: ACMG Guidelines, 2015. Collection method: clinical testing. Allele origin: germline. Affected: no.

Labcorp Genetics (formerly Invitae), Labcorp
Classification: Benign for Hypertrophic cardiomyopathy 10. Last evaluated: 2026-02-03. Review status: criteria provided, single submitter. Criteria: Invitae Variant Classification Sherloc (09022015). Collection method: clinical testing. Allele origin: germline.

ARUP Laboratories, Molecular Genetics and Genomics, ARUP Laboratories
Classification: Benign. Last evaluated: 2025-05-15. Review status: criteria provided, single submitter. Criteria: ARUP Molecular Germline Variant Investigation Process 2024. Collection method: clinical testing. Allele origin: germline.

Blueprint Genetics
Classification: Benign. Last evaluated: 2024-11-13. Review status: criteria provided, single submitter. Criteria: ACMG Guidelines, 2015. Collection method: clinical testing. Allele origin: germline.

All of Us Research Program, National Institutes of Health
Classification: Benign for Hypertrophic cardiomyopathy. Last evaluated: 2024-02-05. Review status: criteria provided, single submitter. Criteria: ACMG Guidelines, 2015. Collection method: clinical testing. Allele origin: germline. Inheritance: Autosomal dominant inheritance. Observed: 283 variant alleles, 282 heterozygotes, 1 homozygote.
Comment: This study involves interpretation of variants in research participants for the purpose of population health screening. Participant phenotype was not available at the time of variant classification. Additional details can be found in publication PMID: 35346344, PMCID: PMC8962531

Color Diagnostics, LLC DBA Color Health
Classification: Benign for Cardiomyopathy. Last evaluated: 2018-03-08. Review status: criteria provided, single submitter. Criteria: ACMG Guidelines, 2015. Collection method: clinical testing. Allele origin: germline.

Illumina Laboratory Services, Illumina
Classification: Likely benign for Hypertrophic cardiomyopathy 10. Last evaluated: 2018-01-13. Review status: criteria provided, single submitter. Criteria: ICSL Variant Classification Criteria 13 December 2019. Collection method: clinical testing. Allele origin: germline.
Comment: This variant was observed in the ICSL laboratory as part of a predisposition screen in an ostensibly healthy population. It had not been previously curated by ICSL or reported in the Human Gene Mutation Database (HGMD: prior to June 1st, 2018), and was therefore a candidate for classification through an automated scoring system. Utilizing variant allele frequency, disease prevalence and penetrance estimates, and inheritance mode, an automated score was calculated to assess if this variant is too frequent to cause the disease. Based on the score and internal cut-off values, a variant classified as likely benign is not then subjected to further curation. The score for this variant resulted in a classification of likely benign for this disease.

CHEO Genetics Diagnostic Laboratory, Children's Hospital of Eastern Ontario
Classification: Benign for Cardiomyopathy. Last evaluated: 2015-12-03. Review status: criteria provided, single submitter. Criteria: ACMG Guidelines, 2015. Collection method: clinical testing. Allele origin: germline. Study: Canadian Open Genetics Repository.

Clinical Genetics DNA and cytogenetics Diagnostics Lab, Erasmus MC, Erasmus Medical Center
Classification: Benign for Hypertrophic cardiomyopathy 10. Last evaluated: 2015-09-21. Review status: criteria provided, single submitter. Criteria: ACGS Guidelines, 2013. Collection method: clinical testing. Allele origin: germline. Affected: yes. Study: VKGL Data-share Consensus.

Ambry Genetics
Classification: Benign for Cardiovascular phenotype. Last evaluated: 2015-07-15. Review status: criteria provided, single submitter. Criteria: Ambry Variant Classification Scheme 2023. Collection method: clinical testing. Allele origin: germline.

GeneDx
Classification: Benign. Last evaluated: 2015-03-03. Review status: criteria provided, single submitter. Criteria: GeneDx Variant Classification Process June 2021. Collection method: clinical testing. Allele origin: germline. Affected: yes.

Mayo Clinic Laboratories, Mayo Clinic
Classification: Benign. Last evaluated: 2014-03-07. Review status: criteria provided, single submitter. Criteria: ACMG Guidelines, 2015. Collection method: clinical testing. Allele origin: germline. Observed: 6 variant alleles.

Eurofins Ntd Llc (ga)
Classification: Benign. Last evaluated: 2014-01-07. Review status: criteria provided, single submitter. Criteria: EGL Classification Definitions 2015. Collection method: clinical testing. Allele origin: germline. Observed: 1 variant allele, 1 heterozygote.

Women's Health and Genetics/Laboratory Corporation of America, LabCorp
Classification: Benign for Hypertrophic Cardiomyopathy. Last evaluated: 2011-08-18. Review status: criteria provided, single submitter. Criteria: LabCorp Variant Classification Summary - May 2015. Collection method: clinical testing. Allele origin: germline. Inheritance: autosomal unknown.
ClinVar note: Converted during submission from benign to Benign.

Laboratory for Molecular Medicine, Mass General Brigham Personalized Medicine
Classification: Benign. Last evaluated: 2008-06-20. Review status: criteria provided, single submitter. Criteria: LMM Criteria. Collection method: clinical testing. Allele origin: germline. Observed: 20 variant alleles.

Breakthrough Genomics
Classification: Likely benign. Review status: criteria provided, single submitter. Criteria: ACMG Guidelines, 2015. Collection method: not provided. Allele origin: germline. Inheritance: Autosomal recessive inheritance. Affected: yes.

PreventionGenetics, part of Exact Sciences
Classification: Benign. Review status: criteria provided, single submitter. Criteria: ACMG Guidelines, 2015. Collection method: clinical testing. Allele origin: germline.

Cohesion Phenomics
Classification: Benign for Hypertrophic Cardiomyopathy. Last evaluated: 2022-10-10. Review status: no assertion criteria provided. Criteria: ACMG Guidelines, 2015. Collection method: clinical testing. Allele origin: germline. Affected: yes. Not counted in ClinVar's aggregate classification.

Clinical Genetics, Academic Medical Center
Classification: Benign. Review status: no assertion criteria provided. Collection method: clinical testing. Allele origin: germline. Affected: yes. Study: VKGL Data-share Consensus. Not counted in ClinVar's aggregate classification.

Joint Genome Diagnostic Labs from Nijmegen and Maastricht, Radboudumc and MUMC+
Classification: Likely benign. Review status: no assertion criteria provided. Collection method: clinical testing. Allele origin: germline. Affected: yes. Study: VKGL Data-share Consensus. Not counted in ClinVar's aggregate classification.

Literature cited by the submitters: PubMed 15706574 (cited by Women's Health and Genetics/Laboratory Corporation of America, LabCorp).

NM_000432.4(MYL2):c.381G>A (p.Ala127=)

Gene: MYL2 (myosin light chain 2; minus strand). Cytogenetic location: 12q24.11.
Variant type: single nucleotide variant.
Coding change: c.381G>A on transcript NM_000432.4 (MANE Select); coding-DNA position 381, G replaced by A.
Protein change: p.Ala127=; no amino-acid change (alanine 127 retained).
Molecular consequence: synonymous variant.
Genome position (GRCh38, 1-based): chr12:110,913,117, C>T on the plus strand (G>A on the coding strand, the complement: MYL2 is on the minus strand). VCF-style: chr12-110913117-C-T. GRCh37 (hg19) VCF-style: chr12-111350921-C-T.
Other names: p.Ala127=.
Identifiers: ClinVar variation 36646 (VCV000036646.45), dbSNP rs2233261, ClinGen allele CA010251.